The following is an entry in ClinVar:

ClinVar aggregate classification (germline): Likely benign (0 of 4 stars; one submission).

Conditions:
TRIM55-related disorder. Also called: TRIM55-related condition.

Allele frequency attached by ClinVar (database versions not stated): gnomAD 0.00001; ExAC 0.00002; gnomAD exomes 0.00003; TOPMed 0.00003.
gnomAD v4.1: 50 of 1,612,434 alleles (0.0031%); highest among the groups gnomAD compares: East Asian, 0.0045%; no homozygotes.

Submission:

PreventionGenetics, part of Exact Sciences
Classification: Likely benign for TRIM55-related condition. Last evaluated: 2019-03-07. Review status: no assertion criteria provided. Collection method: clinical testing. Allele origin: germline.
Comment: This variant is classified as likely benign based on ACMG/AMP sequence variant interpretation guidelines (Richards et al. 2015 PMID: 25741868, with internal and published modifications).

NM_184085.2(TRIM55):c.1557G>A (p.Gln519=)

Gene: TRIM55 (tripartite motif containing 55; plus strand). Cytogenetic location: 8q13.1.
Variant type: single nucleotide variant.
Coding change: c.1557G>A on transcript NM_184085.2 (MANE Select); coding-DNA position 1557, G replaced by A.
Protein change: p.Gln519=; no amino-acid change (glutamine 519 retained).
Molecular consequence: synonymous variant. On other transcripts: 3 prime UTR variant (1).
Genome position (GRCh38, 1-based): chr8:66,174,503, G>A. VCF-style: chr8-66174503-G-A. GRCh37 (hg19) VCF-style: chr8-67086738-G-A.
Other names: c.*22G>A (NM_033058.3); c.1269G>A, p.Gln423= (NM_184086.2); c.636G>A, p.Gln212= (NM_184087.2).
Identifiers: ClinVar variation 3058364 (VCV003058364.2), dbSNP rs762038843, ClinGen allele CA4766084.